The following is an entry in ClinVar:

ClinVar aggregate classification (germline): Uncertain significance (1 of 4 stars; one submission).

Conditions:
Aspartylglucosaminuria (AGU). Also called: GLYCOASPARAGINASE; GLYCOSYLASPARAGINASE DEFICIENCY; AGA DEFICIENCY; Aspartylglucos-aminuria; Aspartylglucos-amidase (AGA) deficiency. Identifiers: Orphanet 93, MedGen C0268225, MONDO:0008830, OMIM 208400, HP:0012068.

Allele frequency attached by ClinVar (database versions not stated): gnomAD 0.00001; gnomAD exomes 0.00001; TOPMed 0.00001.
gnomAD v4.1: 21 of 1,613,356 alleles (0.0013%); highest among the groups gnomAD compares: Admixed American, 0.0033%; no homozygotes.

Submission:

Labcorp Genetics (formerly Invitae), Labcorp
Classification: Uncertain significance for Aspartylglucosaminuria. Last evaluated: 2022-03-13. Review status: criteria provided, single submitter. Criteria: Invitae Variant Classification Sherloc (09022015). Collection method: clinical testing. Allele origin: germline.
Comment: This sequence change replaces alanine, which is neutral and non-polar, with valine, which is neutral and non-polar, at codon 43 of the AGA protein (p.Ala43Val). This variant is not present in population databases (gnomAD no frequency). This variant has not been reported in the literature in individuals affected with AGA-related conditions. Algorithms developed to predict the effect of missense changes on protein structure and function (SIFT, PolyPhen-2, Align-GVGD) all suggest that this variant is likely to be disruptive. In summary, the available evidence is currently insufficient to determine the role of this variant in disease. Therefore, it has been classified as a Variant of Uncertain Significance.

NM_000027.4(AGA):c.128C>T (p.Ala43Val)

Gene: AGA (aspartylglucosaminidase; minus strand). Cytogenetic location: 4q34.3.
Variant type: single nucleotide variant.
Coding change: c.128C>T on transcript NM_000027.4 (MANE Select); coding-DNA position 128, C replaced by T.
Protein change: p.Ala43Val; replaces alanine 43 with valine.
Molecular consequence: missense variant. On other transcripts: non-coding transcript variant (1).
Genome position (GRCh38, 1-based): chr4:177,440,426, G>A on the plus strand (C>T on the coding strand, the complement: AGA is on the minus strand). VCF-style: chr4-177440426-G-A. GRCh37 (hg19) VCF-style: chr4-178361580-G-A.
Other names: c.128C>T, p.Ala43Val (NM_001171988.2); short protein forms A43V.
Identifiers: ClinVar variation 1921783 (VCV001921783.2), dbSNP rs1054743624, ClinGen allele CA110790820.